The following is an entry in ClinVar:

NM_001004334.4(GPR179):c.277C>A (p.Pro93Thr)

Gene: GPR179 (G protein-coupled receptor 179; minus strand). Cytogenetic location: 17q12.
Variant type: single nucleotide variant.
Coding change: c.277C>A on transcript NM_001004334.4 (MANE Select); coding-DNA position 277, C replaced by A.
Protein change: p.Pro93Thr; replaces proline 93 with threonine.
Molecular consequence: missense variant.
Genome position (GRCh38, 1-based): chr17:38,343,513, G>T on the plus strand (C>A on the coding strand, the complement: GPR179 is on the minus strand). VCF-style: chr17-38343513-G-T. GRCh37 (hg19) VCF-style: chr17-36499396-G-T.
Other names: short protein forms P93T.
Identifiers: ClinVar variation 1380520 (VCV001380520.7), dbSNP rs774211520, ClinGen allele CA290111784.

ClinVar aggregate classification (germline): Uncertain significance. Review status: criteria provided, multiple submitters, no conflicts (2 of 4 stars). 2 submissions from 2 submitters: Uncertain significance (2). Last evaluated 2024-11-18.

Allele frequency attached by ClinVar (database versions not stated): ExAC 0.00001.
gnomAD v4.1: 18 of 1,613,772 alleles (0.0011%); highest among the groups gnomAD compares: South Asian, 0.015%; no homozygotes.

Submissions (2):

Labcorp Genetics (formerly Invitae), Labcorp
Classification: Uncertain significance. Last evaluated: 2024-11-18. Review status: criteria provided, single submitter. Criteria: Invitae Variant Classification Sherloc (09022015). Collection method: clinical testing. Allele origin: germline.
Comment: This sequence change replaces proline, which is neutral and non-polar, with threonine, which is neutral and polar, at codon 93 of the GPR179 protein (p.Pro93Thr). This variant is present in population databases (rs774211520, gnomAD 0.006%). This variant has not been reported in the literature in individuals affected with GPR179-related conditions. ClinVar contains an entry for this variant (Variation ID: 1380520). An algorithm developed to predict the effect of missense changes on protein structure and function (PolyPhen-2) suggests that this variant is likely to be disruptive. In summary, the available evidence is currently insufficient to determine the role of this variant in disease. Therefore, it has been classified as a Variant of Uncertain Significance.

Blueprint Genetics
Classification: Uncertain significance. Last evaluated: 2023-04-27. Review status: criteria provided, single submitter. Criteria: ACMG Guidelines, 2015. Collection method: clinical testing. Allele origin: germline.